The following is an entry in ClinVar:

ClinVar aggregate classification (germline): Uncertain significance. Review status: criteria provided, multiple submitters, no conflicts (2 of 4 stars). 2 submissions from 2 submitters: Uncertain significance (2). Last evaluated 2023-02-16.

Conditions:
Hereditary nonpolyposis colorectal neoplasms. Identifiers: MedGen C0009405, MeSH D003123.

Submissions (2):

Labcorp Genetics (formerly Invitae), Labcorp
Classification: Uncertain significance for Hereditary nonpolyposis colorectal neoplasms. Last evaluated: 2023-02-16. Review status: criteria provided, single submitter. Criteria: Invitae Variant Classification Sherloc (09022015). Collection method: clinical testing. Allele origin: germline.
Comment: This sequence change replaces glutamic acid, which is acidic and polar, with lysine, which is basic and polar, at codon 663 of the PMS2 protein (p.Glu663Lys). This variant is not present in population databases (gnomAD no frequency). This variant has not been reported in the literature in individuals affected with PMS2-related conditions. ClinVar contains an entry for this variant (Variation ID: 1321000). Advanced modeling of protein sequence and biophysical properties (such as structural, functional, and spatial information, amino acid conservation, physicochemical variation, residue mobility, and thermodynamic stability) performed at Invitae indicates that this missense variant is expected to disrupt PMS2 protein function. In summary, the available evidence is currently insufficient to determine the role of this variant in disease. Therefore, it has been classified as a Variant of Uncertain Significance.

GeneDx
Classification: Uncertain significance. Last evaluated: 2019-06-12. Review status: criteria provided, single submitter. Criteria: GeneDx Variant Classification Process June 2021. Collection method: clinical testing. Allele origin: germline. Affected: yes.
Comment: Not observed in large population cohorts (Lek et al., 2016); In silico analysis, which includes protein predictors and evolutionary conservation, supports a deleterious effect

NM_000535.7(PMS2):c.1987G>A (p.Glu663Lys)

Gene: PMS2 (PMS1 homolog 2, mismatch repair system component; minus strand). Cytogenetic location: 7p22.1.
Variant type: single nucleotide variant.
Coding change: c.1987G>A on transcript NM_000535.7 (MANE Select); coding-DNA position 1987, G replaced by A.
Protein change: p.Glu663Lys; replaces glutamic acid 663 with lysine.
Molecular consequence: missense variant. On other transcripts: non-coding transcript variant (1).
Genome position (GRCh38, 1-based): chr7:5,986,778, C>T on the plus strand (G>A on the coding strand, the complement: PMS2 is on the minus strand). VCF-style: chr7-5986778-C-T. GRCh37 (hg19) VCF-style: chr7-6026409-C-T.
Other names: c.1582G>A, p.Glu528Lys (NM_001322003.2, NM_001322004.2, NM_001322005.2 and 1 more transcripts); c.1831G>A, p.Glu611Lys (NM_001322006.2); c.1669G>A, p.Glu557Lys (NM_001322007.2, NM_001322008.2); c.1426G>A, p.Glu476Lys (NM_001322010.2); c.1054G>A, p.Glu352Lys (NM_001322011.2, NM_001322012.2); c.1414G>A, p.Glu472Lys (NM_001322013.2); c.1987G>A, p.Glu663Lys (NM_001322014.2); c.1678G>A, p.Glu560Lys (NM_001322015.2); short protein forms E352K, E472K, E476K, E528K, E557K, E560K, E611K, E663K.
Identifiers: ClinVar variation 1321000 (VCV001321000.6), dbSNP rs1554297061, ClinGen allele CA366738940.